The following is an entry in ClinVar:

NM_001363.5(DKC1):c.5_7del (p.Ala2del)

Gene: DKC1 (dyskerin pseudouridine synthase 1; plus strand). Cytogenetic location: Xq28.
Variant type: Deletion.
Coding change: c.5_7del on transcript NM_001363.5 (MANE Select); coding-DNA positions 5 to 7, 3 bases deleted (CGG; older notation c.5_7delCGG).
Protein change: p.Ala2del; deletes alanine 2.
Molecular consequence: inframe deletion, initiator codon variant. On other transcripts: non-coding transcript variant (3).
Genome position (GRCh38, 1-based): chrX:154,762,970-154,762,972, CGG deleted; deleting any 3 consecutive bases within chrX:154,762,968-154,762,972 gives the same sequence; the c. name uses the placement nearest the transcript's 3' end. VCF-style (leftmost placement, unchanged base first): chrX-154762967-TGGC-T. GRCh37 (hg19) VCF-style: chrX-153991242-TGGC-T.
Other names: c.5_7del, p.Ala2del (NM_001142463.3, NM_001288747.2); short protein forms A2del.
Identifiers: ClinVar variation 2828899 (VCV002828899.3), dbSNP rs2523673228, ClinGen allele CA2739273846.

ClinVar aggregate classification (germline): Pathogenic (1 of 4 stars; one submission).

Conditions:
Dyskeratosis congenita. Identifiers: Orphanet 1775, MedGen C0265965, MONDO:0015780.

Submission:

Labcorp Genetics (formerly Invitae), Labcorp
Classification: Pathogenic for Dyskeratosis congenita. Last evaluated: 2023-07-13. Review status: criteria provided, single submitter. Criteria: Invitae Variant Classification Sherloc (09022015). Collection method: clinical testing. Allele origin: germline.
Comment: For these reasons, this variant has been classified as Pathogenic. This variant disrupts a region of the DKC1 protein in which other variant(s) (p.Ala2Val) have been determined to be pathogenic (PMID: 10364516, 11641517, 22664374, 33718801). This suggests that this is a clinically significant region of the protein, and that variants that disrupt it are likely to be disease-causing. This variant has not been reported in the literature in individuals affected with DKC1-related conditions. This variant is not present in population databases (gnomAD no frequency). This variant, c.5_7del, results in the deletion of 1 amino acid(s) of the DKC1 protein (p.Ala2del), but otherwise preserves the integrity of the reading frame.

Literature cited by the submitters: PubMed 10364516; PubMed 11641517; PubMed 22664374; PubMed 33718801.